The following is an entry in ClinVar:

ClinVar aggregate classification (germline): Pathogenic. Review status: criteria provided, multiple submitters, no conflicts (2 of 4 stars). 12 submissions from 12 submitters: Pathogenic (8). 4 of the submissions do not count toward it. Last evaluated 2026-04-19.

Conditions:
AGPAT2-related disorder. Also called: AGPAT2-related condition.
Congenital generalized lipodystrophy. Also called: Congenital generalized lipodystrophy (disease). Identifiers: MedGen C0221032, MONDO:0006536, HP:0009059.
Congenital generalized lipodystrophy type 1 (CGL1). Also called: BRUNZELL SYNDROME, AGPAT2-RELATED; Berardinelli-Seip Congenital Lipodystrophy Type 1. Identifiers: Orphanet 528, Orphanet 696189, MedGen C1720862, MONDO:0012071, OMIM 608594.

Allele frequency attached by ClinVar (database versions not stated): gnomAD exomes 0.00004 and 0.00010; gnomAD 0.00043 and 0.00042; 1000 Genomes Project 0.00100; ExAC 0.00016; 1000 Genomes Project 30x 0.00125; TOPMed 0.00042; ESP Exome Variant Server 0.00054.
gnomAD v4.1: 112 of 1,546,742 alleles (0.0072%); highest among the groups gnomAD compares: African/African-American, 0.15%; no homozygotes.

Submissions (12):

Dasa
Classification: Pathogenic. Last evaluated: 2026-04-19. Review status: criteria provided, single submitter. Criteria: DASA Assertion Criteria. Collection method: clinical testing. Allele origin: germline.
Comment: NM_006412.4(AGPAT2):c.589-2A>G affects a canonical splice site and is predicted to disrupt normal RNA splicing, leading to loss of normal protein function. Loss-of-function is an established mechanism of disease for this gene. This variant has been recurrently observed in individuals with related phenotype (PMID: 11967537; PMID: 32280377; PMID: 12765973; PMID: 31416577; PMID: 14557463). Segregation evidence has been reported in affected families. The variant is present at low frequency in population datasets. Based on the available data, this variant is classified as pathogenic.

Labcorp Genetics (formerly Invitae), Labcorp
Classification: Pathogenic. Last evaluated: 2024-09-28. Review status: criteria provided, single submitter. Criteria: Invitae Variant Classification Sherloc (09022015). Collection method: clinical testing. Allele origin: germline.
Comment: This sequence change affects an acceptor splice site in intron 4 of the AGPAT2 gene. It is expected to disrupt RNA splicing. Variants that disrupt the donor or acceptor splice site typically lead to a loss of protein function (PMID: 16199547), and loss-of-function variants in AGPAT2 are known to be pathogenic (PMID: 11967537, 15181077). This variant is present in population databases (rs116807569, gnomAD 0.2%). Disruption of this splice site has been observed in individual(s) with congenital generalized lipodystrophy (PMID: 11967537, 32876150). It has also been observed to segregate with disease in related individuals. ClinVar contains an entry for this variant (Variation ID: 6625). Algorithms developed to predict the effect of sequence changes on RNA splicing suggest that this variant may disrupt the consensus splice site. For these reasons, this variant has been classified as Pathogenic.

Fulgent Genetics
Classification: Pathogenic for Congenital generalized lipodystrophy type 1. Last evaluated: 2024-03-06. Review status: criteria provided, single submitter. Criteria: ACMG Guidelines, 2015. Collection method: clinical testing. Allele origin: germline.

Women's Health and Genetics/Laboratory Corporation of America, LabCorp
Classification: Pathogenic for Congenital generalized lipodystrophy. Last evaluated: 2023-12-13. Review status: criteria provided, single submitter. Criteria: LabCorp Variant Classification Summary - May 2015. Collection method: clinical testing. Allele origin: germline.
Comment: Variant summary: AGPAT2 c.589-2A>G is located in a canonical splice-site and is predicted to affect mRNA splicing resulting in a significantly altered protein due to either exon skipping, shortening, or inclusion of intronic material. Several computational tools predict a significant impact on normal splicing: Four predict the variant abolishes a canonical 3' acceptor site. The variant allele was found at a frequency of 0.0001 in 198966 control chromosomes (gnomAD). This frequency is not significantly higher than estimated for a pathogenic variant in AGPAT2 causing Congenital Generalized Lipodystrophy (0.0001 vs 0.00087), allowing no conclusion about variant significance. c.589-2A>G has been reported in the literature in multiple homozygous and compound heterozygous individuals affected with Congenital Generalized Lipodystrophy (examples: Agarwal_2002 and Magre_2003). These data indicate that the variant is very likely to be associated with disease. The following publications have been ascertained in the context of this evaluation (PMID: 11967537, 12765973). Four submitters have cited clinical-significance assessments for this variant to ClinVar after 2014. All submitters classified the variant as pathogenic. Based on the evidence outlined above, the variant was classified as pathogenic.

Illumina Laboratory Services, Illumina
Classification: Pathogenic for Congenital generalized lipodystrophy type 1. Last evaluated: 2023-08-03. Review status: criteria provided, single submitter. Criteria: ICSLVariantClassificationCriteria RUGD 01 April 2020. Collection method: clinical testing. Allele origin: unknown.
Comment: The AGPAT2 c.589-2A>G variant, also referred to as IVS4-2A>G, results a substitution within the consensus splice acceptor site. This variant is predicted to result in a frameshift and premature termination with addition of novel amino acids (PMID: 11967537; 12765973). The c.589-2A>G variant has been reported in at least 24 unrelated individuals in a homozygous state and at least 11 unrelated individuals in either a confirmed or presumed compound heterozygous state with phenotypes consistent with congenital generalized lipodystrophy (PMID: 11967537; 12765973; 14557463; 31416577; 32280377; 34318892). This variant segregated with disease in multiple families (PMID: 11967537; 12765973 14557463). The c.589-2A>G variant is reported at a frequency of 0.001496 in the African/African American population of the Genome Aggregation Database (version 3.1.2). Based on the available evidence, the c.589-2A>G variant is classified as pathogenic for congenital generalized lipodystrophy.

GeneDx
Classification: Pathogenic. Last evaluated: 2022-03-13. Review status: criteria provided, single submitter. Criteria: GeneDx Variant Classification Process June 2021. Collection method: clinical testing. Allele origin: germline. Affected: yes.
Comment: Canonical splice site variant in a gene for which loss-of-function is a known mechanism of disease; This variant is associated with the following publications: (PMID: 30266686, 11967537, 25525159, 19278620, 26072926, 22344438, 15181077, 32041611, 12765973, 32280377, SchweisbergerC2021[Abstract], 34033296, 31416577, 30296183, 30595509, 34318892)

Blueprint Genetics
Classification: Pathogenic for AGPAT2-related disorders. Last evaluated: 2019-09-04. Review status: criteria provided, single submitter. Criteria: ACMG Guidelines, 2015. Collection method: clinical testing. Allele origin: germline. Affected: yes. Observed: 3 variant alleles.

Genetic Services Laboratory, University of Chicago
Classification: Pathogenic for Lipodystrophy, congenital generalized, type 1. Last evaluated: 2015-08-06. Review status: criteria provided, single submitter. Criteria: ACMG Guidelines, 2015. Collection method: clinical testing. Allele origin: germline. Affected: yes.

OMIM
Classification: Pathogenic for LIPODYSTROPHY, CONGENITAL GENERALIZED, TYPE 1. Last evaluated: 2004-06-01. Review status: no assertion criteria provided. Collection method: literature only. Allele origin: germline. Not counted in ClinVar's aggregate classification.

GeneReviews
No classification provided. Condition: Congenital generalized lipodystrophy type 1. Review status: no classification provided. Collection method: literature only. Allele origin: germline. Affected: yes. Not counted in ClinVar's aggregate classification.

Genome Diagnostics Laboratory, Amsterdam University Medical Center
Classification: Pathogenic. Review status: no assertion criteria provided. Collection method: clinical testing. Allele origin: germline. Affected: yes. Study: VKGL Data-share Consensus. Not counted in ClinVar's aggregate classification.

Genome Diagnostics Laboratory, University Medical Center Utrecht
Classification: Pathogenic. Review status: no assertion criteria provided. Collection method: clinical testing. Allele origin: germline. Affected: yes. Study: VKGL Data-share Consensus. Not counted in ClinVar's aggregate classification.

Literature cited by the submitters: PubMed 11967537 (cited by 5 submitters); PubMed 32280377 (cited by Dasa and Illumina Laboratory Services, Illumina); PubMed 12765973 (cited by 3 submitters); PubMed 31416577 (cited by Dasa and Illumina Laboratory Services, Illumina); PubMed 14557463 (cited by Dasa and Illumina Laboratory Services, Illumina); PubMed 16199547 (cited by Labcorp Genetics (formerly Invitae), Labcorp); PubMed 15181077 (cited by Labcorp Genetics (formerly Invitae), Labcorp and OMIM); PubMed 32876150 (cited by Labcorp Genetics (formerly Invitae), Labcorp); PubMed 34318892 (cited by Illumina Laboratory Services, Illumina); NCBI Bookshelf NBK1212 (cited by GeneReviews).

NM_006412.4(AGPAT2):c.589-2A>G

Gene: AGPAT2 (1-acylglycerol-3-phosphate O-acyltransferase 2; minus strand). Cytogenetic location: 9q34.3.
Variant type: single nucleotide variant.
Coding change: c.589-2A>G on transcript NM_006412.4 (MANE Select); the canonical splice acceptor site of the intron before coding-DNA position 589, A replaced by G.
Molecular consequence: splice acceptor variant.
Genome position (GRCh38, 1-based): chr9:136,674,809, T>C on the plus strand (A>G on the coding strand, the complement: AGPAT2 is on the minus strand). VCF-style: chr9-136674809-T-C. GRCh37 (hg19) VCF-style: chr9-139569261-T-C.
Other names: IVS4AS, A-G, -2; c.493-2A>G (NM_001012727.2).
Identifiers: ClinVar variation 6625 (VCV000006625.25), dbSNP rs116807569, ClinGen allele CA277944.
Genomic context (GRCh38, chr9:136,674,809, plus strand): 5'-TTCTTCTTGGTGTTGTAGAAGGAGGAGAAGGAAGAGTACACCACGGGGACGATGGGCACC[T>C]GCAGGCAGGGAGACGCACAGCTGAGGCAGCCCTGGGGACAGGCCAGGCACACCCCAGGCT-3'